The following is an entry in ClinVar:

ClinVar aggregate classification (germline): Benign/Likely benign. Review status: criteria provided, multiple submitters, no conflicts (2 of 4 stars). 6 submissions from 6 submitters: Benign (5); Likely benign (1). Last evaluated 2024-12-12.

Conditions:
SRC-related disorder. Also called: SRC-related condition.

Allele frequency attached by ClinVar (database versions not stated): ExAC 0.00161; gnomAD 0.00494; TOPMed 0.00516; 1000 Genomes Project 0.00579; ESP Exome Variant Server 0.00646; 1000 Genomes Project 30x 0.00656.
gnomAD v4.1: 1,590 of 1,613,756 alleles (0.099%); highest among the groups gnomAD compares: African/African-American, 1.8%; 23 homozygotes.

Submissions (6):

PreventionGenetics, part of Exact Sciences
Classification: Benign for SRC-related condition. Last evaluated: 2024-12-12. Review status: criteria provided, single submitter. Criteria: ACMG Guidelines, 2015. Collection method: clinical testing. Allele origin: germline.
Comment: This variant is classified as benign based on ACMG/AMP sequence variant interpretation guidelines (Richards et al. 2015 PMID: 25741868, with internal and published modifications).

Blueprint Genetics
Classification: Likely benign. Last evaluated: 2024-11-26. Review status: criteria provided, single submitter. Criteria: ACMG Guidelines, 2015. Collection method: clinical testing. Allele origin: germline.

Mayo Clinic Laboratories, Mayo Clinic
Classification: Benign. Last evaluated: 2024-10-04. Review status: criteria provided, single submitter. Criteria: ACMG Guidelines, 2015. Collection method: clinical testing. Allele origin: germline. Observed: 2 variant alleles.
Comment: BS1, BS2, BP4, BP7

Labcorp Genetics (formerly Invitae), Labcorp
Classification: Benign. Last evaluated: 2019-12-31. Review status: criteria provided, single submitter. Criteria: Invitae Variant Classification Sherloc (09022015). Collection method: clinical testing. Allele origin: germline.

Genetic Services Laboratory, University of Chicago
Classification: Benign. Last evaluated: 2018-10-30. Review status: criteria provided, single submitter. Criteria: ACMG Guidelines, 2015. Collection method: clinical testing. Allele origin: germline. Affected: no.

Breakthrough Genomics
Classification: Benign. Review status: criteria provided, single submitter. Criteria: ACMG Guidelines, 2015. Collection method: not provided. Allele origin: germline. Inheritance: Autosomal dominant inheritance. Affected: yes.

NM_198291.3(SRC):c.1134G>A (p.Ala378=)

Gene: SRC (SRC proto-oncogene, non-receptor tyrosine kinase; plus strand). Cytogenetic location: 20q11.23.
Variant type: single nucleotide variant.
Coding change: c.1134G>A on transcript NM_198291.3 (MANE Select); coding-DNA position 1134, G replaced by A.
Protein change: p.Ala378=; no amino-acid change (alanine 378 retained).
Molecular consequence: synonymous variant.
Genome position (GRCh38, 1-based): chr20:37,402,452, G>A. VCF-style: chr20-37402452-G-A. GRCh37 (hg19) VCF-style: chr20-36030855-G-A.
Other names: p.Ala378=; c.1134G>A, p.Ala378= (NM_005417.5).
Identifiers: ClinVar variation 777573 (VCV000777573.12), dbSNP rs56408406, ClinGen allele CA9847987.